The following is an entry in ClinVar:

ClinVar aggregate classification (germline): Uncertain significance (1 of 4 stars; one submission).

Conditions:
Hereditary cancer-predisposing syndrome. Also called: Neoplastic Syndromes, Hereditary; Tumor predisposition; Hereditary Cancer Syndrome; Hereditary neoplastic syndrome. Identifiers: Orphanet 140162, MedGen C0027672, MeSH D009386, MONDO:0015356.

gnomAD v4.1: 1 of 1,614,194 alleles (0.000062%); highest among the groups gnomAD compares: Non-Finnish European, 0.000085%; no homozygotes.

Submission:

Ambry Genetics
Classification: Uncertain significance for Hereditary cancer-predisposing syndrome. Last evaluated: 2026-01-03. Review status: criteria provided, single submitter. Criteria: Ambry Variant Classification Scheme 2023. Collection method: clinical testing. Allele origin: germline.
Comment: The p.K193N variant (also known as c.579G>C), located in coding exon 3 of the KIT gene, results from a G to C substitution at nucleotide position 579. The lysine at codon 193 is replaced by asparagine, an amino acid with similar properties. This amino acid position is conserved. In addition, this alteration is predicted to be tolerated by in silico analysis. Based on the available evidence, the clinical significance of this variant remains unclear.

NM_000222.3(KIT):c.579G>C (p.Lys193Asn)

Gene: KIT (KIT proto-oncogene, receptor tyrosine kinase; plus strand). Cytogenetic location: 4q12.
Variant type: single nucleotide variant.
Coding change: c.579G>C on transcript NM_000222.3 (MANE Select); coding-DNA position 579, G replaced by C.
Protein change: p.Lys193Asn; replaces lysine 193 with asparagine.
Molecular consequence: missense variant.
Genome position (GRCh38, 1-based): chr4:54,698,525, G>C. VCF-style: chr4-54698525-G-C. GRCh37 (hg19) VCF-style: chr4-55564691-G-C.
Other names: c.579G>C, p.Lys193Asn (NM_001093772.2, NM_001385284.1, NM_001385285.1 and 4 more transcripts); short protein forms K193N.
Identifiers: ClinVar variation 4844003 (VCV004844003.1).